The following is an entry in ClinVar:

NM_000426.4(LAMA2):c.2053C>G (p.Leu685Val)

Gene: LAMA2 (laminin subunit alpha 2; plus strand). Cytogenetic location: 6q22.33.
Variant type: single nucleotide variant.
Coding change: c.2053C>G on transcript NM_000426.4 (MANE Select); coding-DNA position 2053, C replaced by G.
Protein change: p.Leu685Val; replaces leucine 685 with valine.
Molecular consequence: missense variant.
Genome position (GRCh38, 1-based): chr6:129,252,252, C>G. VCF-style: chr6-129252252-C-G. GRCh37 (hg19) VCF-style: chr6-129573397-C-G.
Other names: c.2053C>G, p.Leu685Val (NM_001079823.2); short protein forms L685V.
Identifiers: ClinVar variation 958727 (VCV000958727.5), dbSNP rs893321260, ClinGen allele CA365610548.

ClinVar aggregate classification (germline): Uncertain significance (1 of 4 stars; one submission).

Conditions:
LAMA2-related muscular dystrophy (LAMA2-RD). Also called: Laminin alpha 2-related dystrophy. Identifiers: MedGen C5679788, MONDO:0100228.

Allele frequency attached by ClinVar (database versions not stated): gnomAD exomes below 0.00001 and 0.00001; gnomAD 0.00001; TOPMed 0.00001.
gnomAD v4.1: 5 of 1,613,782 alleles (0.00031%); highest among the groups gnomAD compares: Admixed American, 0.0033%; no homozygotes.

Submission:

Labcorp Genetics (formerly Invitae), Labcorp
Classification: Uncertain significance for LAMA2-related muscular dystrophy. Last evaluated: 2022-08-23. Review status: criteria provided, single submitter. Criteria: Invitae Variant Classification Sherloc (09022015). Collection method: clinical testing. Allele origin: germline.
Comment: This sequence change replaces leucine, which is neutral and non-polar, with valine, which is neutral and non-polar, at codon 685 of the LAMA2 protein (p.Leu685Val). This variant is present in population databases (no rsID available, gnomAD 0.003%). This variant has not been reported in the literature in individuals affected with LAMA2-related conditions. ClinVar contains an entry for this variant (Variation ID: 958727). Advanced modeling of protein sequence and biophysical properties (such as structural, functional, and spatial information, amino acid conservation, physicochemical variation, residue mobility, and thermodynamic stability) performed at Invitae indicates that this missense variant is not expected to disrupt LAMA2 protein function. In summary, the available evidence is currently insufficient to determine the role of this variant in disease. Therefore, it has been classified as a Variant of Uncertain Significance.